The following continues an entry in ClinVar:

NM_002016.2(FLG):c.1501C>T (p.Arg501Ter)

ClinVar aggregate classification (germline): Pathogenic/Likely pathogenic. Pathogenic (39); Likely pathogenic (3).

Submissions 13 to 25 of 54:

Variantyx, Inc.
Classification: Pathogenic for FLG-related disorders. Last evaluated: 2025-03-20. Review status: criteria provided, single submitter. Criteria: Variantyx Assertion Criteria 2022. Collection method: clinical testing. Allele origin: germline. Inheritance: Semidominant inheritance.
Comment: This is a nonsense variant in the FLG gene (OMIM: 135940). Pathogenic variants in this gene have been associated with autosomal semidominant FLG-related disorders. This variant introduces a premature termination codon in exon 3 out of 3. It is expected to result in loss of function, which is a known disease mechanism for FLG in this disorder (PMID: 16444271, 27793761, 27667308) (PVS1). This variant has been associated with an increased risk of developing ichthyosis vulgaris with incomplete penetrance and seasonal phenotypic variation (PMID: 16444271). It has also been associated with an increased risk of atopic dermatitis (eczema) and asthma (PMID: 19538357). Statistical analyses have demonstrated enrichment in clinical populations, with odds ratios ranging from 1.23 to 14.05 (PMID: 19501237) (PS4). This variant has a 2.1383% maximum allele frequency in non-founder control populations. Based on the current evidence, this variant is classified as pathogenic for autosomal semidominant FLG-related disorders.

Variantyx, Inc.
Classification: Pathogenic for Ichthyosis vulgaris. Last evaluated: 2025-03-12. Review status: criteria provided, single submitter. Criteria: Variantyx Assertion Criteria 2022. Collection method: clinical testing. Allele origin: germline. Affected: yes.
Comment: This is a nonsense variant in the FLG gene (OMIM: 135940). Pathogenic variants in this gene have been associated with autosomal semidominant ichthyosis vulgaris. This variant introduces a premature termination codon in exon 3 out of 3. It is expected to result in loss of function, which is a known disease mechanism for FLG in these disorders (PMID: 16444271, 27793761, 27667308) (PVS1). This variant has been associated with an increased risk of developing ichthyosis vulgaris with incomplete penetrance and seasonal phenotypic variation (PMID: 16444271). It has also been associated with an increased risk of atopic dermatitis (eczema) and asthma (PMID: 19538357). Statistical analyses have demonstrated enrichment in clinical populations, with odds ratios ranging from 1.23 to 14.05 (PMID: 19501237) (PS4). This variant has a 1.7321% maximum allele frequency in non-founder control populations. Based on the current evidence, this variant is classified as pathogenic for autosomal semidominant ichthyosis vulgaris.

Center for Genomic Medicine, Rigshospitalet, Copenhagen University Hospital
Classification: Pathogenic. Last evaluated: 2025-03-04. Review status: criteria provided, single submitter. Criteria: ACMG Guidelines, 2015. Collection method: clinical testing. Allele origin: germline.

Laboratory of Genetics, Children's Clinical University Hospital Latvia
Classification: Pathogenic. Last evaluated: 2025-02-16. Review status: criteria provided, single submitter. Criteria: ACMG Guidelines, 2015. Collection method: clinical testing. Allele origin: germline. Affected: yes.

Ambry Genetics
Classification: Pathogenic for Inborn genetic diseases. Last evaluated: 2024-12-26. Review status: criteria provided, single submitter. Criteria: Ambry Variant Classification Scheme 2023. Collection method: clinical testing. Allele origin: germline.
Comment: The c.1501C>T (p.R501*) alteration, located in exon 3 (coding exon 2) of the FLG gene, consists of a C to T substitution at nucleotide position 1501. This changes the amino acid from an arginine (R) to a stop codon at amino acid position 501. This variant is not expected to trigger nonsense-mediated mRNA decay and impacts the last 88% of the protein. However, premature stop codons are typically deleterious in nature and a significant portion of the protein is affected (Ambry internal data). Based on data from gnomAD, the T allele has an overall frequency of 0.939% (2653/282652) total alleles studied. The highest observed frequency was 1.638% (2114/129034) of European (non-Finnish) alleles. This variant has been identified in the homozygous state and/or in conjunction with other variant(s) in this same gene in individual(s) with features consistent with ichthyosis vulgaris and segregated with disease in at least one family (Sandilands, 2007; Van Leersum, 2020; Palmer, 2006). Based on the available evidence, this alteration is classified as pathogenic.

Blueprint Genetics
Classification: Pathogenic for FLG-related disorders. Last evaluated: 2024-11-25. Review status: criteria provided, single submitter. Criteria: ACMG Guidelines, 2015. Collection method: clinical testing. Allele origin: de novo. Affected: yes. Observed: 5 variant alleles.

Department of Human Genetics, Hannover Medical School
Classification: Pathogenic for Dermatitis, atopic, 2. Last evaluated: 2024-11-21. Review status: criteria provided, single submitter. Criteria: ACMG Guidelines, 2015. Collection method: clinical testing. Allele origin: germline. Affected: yes.

Revvity Omics, Revvity
Classification: Pathogenic for Ichthyosis vulgaris. Last evaluated: 2024-10-17. Review status: criteria provided, single submitter. Criteria: ACMG Guidelines, 2015. Collection method: clinical testing. Allele origin: germline.

Victorian Clinical Genetics Services, Murdoch Childrens Research Institute
Classification: Pathogenic for Ichthyosis vulgaris. Last evaluated: 2024-09-22. Review status: criteria provided, single submitter. Criteria: ACMG Guidelines, 2015. Collection method: clinical testing. Allele origin: germline. Affected: yes.
Comment: Based on the classification scheme VCGS_Germline_v1.3.2, this variant is classified as Pathogenic. Following criteria are met: 0102 - Loss of function is a known mechanism of disease in this gene and is associated with ichthyosis vulgaris. (I) 0108 - This gene is associated with both recessive and dominant disease. Biallelic truncating variants tend to result in a more severe condition (PMIDs: 17291859, 30681730). (I) 0112 - The condition associated with this gene has incomplete penetrance. Heterozygous carriers are more likely to be asymptomatic than individuals with biallelic variants (PMIDs: 17291859, 30681730). (I) 0204 - Variant is predicted to result in a truncated protein (premature termination codon is NOT located at least 54 nucleotides upstream of the final exon-exon junction) with at least 1/3 of the protein sequence affected. (SP) 0251 - This variant is heterozygous. (I) 0310 - Variant is present in gnomAD (v2) >=0.001 and <0.01 for a dominant condition (2611 heterozygotes, 21 homozygotes). (I) 0600 - Variant is located upstream of multiple filaggrin domains (DECIPHER). (I) 0701 - Other truncating variants comparable to the one identified in this case have very strong previous evidence for pathogenicity. Many other truncating variants have previously been reported as pathogenic in patients with ichthyosis vulgaris (ClinVar). (SP) 0801 - This variant has strong previous evidence of pathogenicity in unrelated individuals. The variant has previously been reported as pathogenic in multiple patients and their families with both dominant and recessive ichthyosis vulgaris, and is considered to be one of the most common pathogenic variants in the European population (ClinVar, HGMD, PMIDs: 16444271, 32066784, 32325630). (SP) 1207 - Parental origin of the variant is unresolved. (I) Legend: (SP) - Supporting pathogenic, (I) - Information, (SB) - Supporting benign

Baylor Genetics
Classification: Pathogenic for Ichthyosis vulgaris. Last evaluated: 2024-02-22. Review status: criteria provided, single submitter. Criteria: ACMG Guidelines, 2015. Collection method: clinical testing. Allele origin: unknown.

Centre for Clinical Genetics and Genomic Diagnostics, Zealand University Hospital
Classification: Likely pathogenic. Last evaluated: 2024-02-02. Review status: criteria provided, single submitter. Criteria: ACMG Guidelines, 2015. Collection method: clinical testing. Allele origin: germline. Affected: yes.

Pittsburgh Clinical Genomics Laboratory, University of Pittsburgh Medical Center
Classification: Pathogenic for Ichthyosis vulgaris. Last evaluated: 2023-11-21. Review status: criteria provided, single submitter. Criteria: ACMG Guidelines, 2015. Collection method: clinical testing. Allele origin: germline. Inheritance: Autosomal unknown. Affected: yes.
Comment: This sequence variant is a single nucleotide substitution (C>T) at coding nucleotide position 1501 in the FLG gene which results in the generation of a premature stop codon at residue 501 of the FLG protein. This variant is predicted to generate a non-functional allele through truncation of important functional domains. This is a well-known pathogenic variant (ClinVar 16319) that has been observed in many individuals in the literature with atopic dermatitis, ichthyosis vulgaris, and eczema (PMID: 19839980, 22164253, 24920311, 31365035). This variant is one of the most common pathogenic alleles in the FLG gene and is observed in control population datasets (gnomAD database 3934/402748 alleles or 0.9768%). Functional evidence confirms individuals carrying homozygous alleles for this variant display complete loss of FLG expression. Additionally, homozygous or compound heterozygous carriers for truncating FLG variants have more severe disease (PMID: 16444271). Given the evidence, we consider this variant to be pathogenic. ACMG Criteria: PS3, PS4, PVS1

Clinical Genomics Laboratory, Washington University in St. Louis
Classification: Pathogenic for Ichthyosis vulgaris. Last evaluated: 2023-10-31. Review status: criteria provided, single submitter. Criteria: ACMG Guidelines, 2015. Collection method: clinical testing. Allele origin: germline. Affected: yes.
Comment: The FLG c.1501C>T (p.Arg501Ter) variant has been reported in over 150 individuals affected with ichthyosis vulgaris and atopic dermatitis and is reported to segregate with disease in multiple families (Palmer CN et al., PMID; 16550169; Smith FJ et al., PMID: 16444271). Of those individuals, the variant has been identified in a homozygous state in at least nine individuals, in a compound heterozygous state with a pathogenic or likely pathogenic variant in at least 50 individuals, and in a heterozygous state in over 100 individuals (Gimalova GF et al., PMID: 27363669; Marenholz I et al., PMID: 17030239; Palmer CN et al., PMID; 16550169; Polcari I et al., PMID; 24920311; Smith FJ et al., PMID: 16444271; Weidinger S et al., PMID: 16815158; Wozniak M et al., PMID: 27279822). The highest population minor allele frequency in the population database genome aggregation database (v.2.1.1) is 1.64% in the European (non-Finnish) population which is consistent with the reported incidence of low penetrance ichthyosis vulgaris in heterozygotes. This variant has been reported in the ClinVar database as a pathogenic variant by 23 submitters and likely pathogenic by one submitter. Based on available information and the ACMG/AMP guidelines for variant interpretation (Richards S et al., PMID: 25741868), this variant is classified as pathogenic.